The following is an entry in ClinVar:

NM_033109.5(PNPT1):c.1982G>C (p.Arg661Thr)

Gene: PNPT1 (polyribonucleotide nucleotidyltransferase 1; minus strand). Cytogenetic location: 2p16.1.
Variant type: single nucleotide variant.
Coding change: c.1982G>C on transcript NM_033109.5 (MANE Select); coding-DNA position 1982, G replaced by C.
Protein change: p.Arg661Thr; replaces arginine 661 with threonine.
Molecular consequence: missense variant.
Genome position (GRCh38, 1-based): chr2:55,643,350, C>G on the plus strand (G>C on the coding strand, the complement: PNPT1 is on the minus strand). VCF-style: chr2-55643350-C-G. GRCh37 (hg19) VCF-style: chr2-55870485-C-G.
Other names: short protein forms R661T.
Identifiers: ClinVar variation 2858332 (VCV002858332.3), dbSNP rs201269381, ClinGen allele CA346923938.

ClinVar aggregate classification (germline): Uncertain significance (1 of 4 stars; one submission).

gnomAD v4.1: 1 of 1,614,068 alleles (0.000062%); highest among the groups gnomAD compares: African/African-American, 0.0013%; no homozygotes.

Submission:

Labcorp Genetics (formerly Invitae), Labcorp
Classification: Uncertain significance. Last evaluated: 2023-04-22. Review status: criteria provided, single submitter. Criteria: Invitae Variant Classification Sherloc (09022015). Collection method: clinical testing. Allele origin: germline.
Comment: In summary, the available evidence is currently insufficient to determine the role of this variant in disease. Therefore, it has been classified as a Variant of Uncertain Significance. This sequence change replaces arginine, which is basic and polar, with threonine, which is neutral and polar, at codon 661 of the PNPT1 protein (p.Arg661Thr). This variant is not present in population databases (gnomAD no frequency). This variant has not been reported in the literature in individuals affected with PNPT1-related conditions. Advanced modeling of protein sequence and biophysical properties (such as structural, functional, and spatial information, amino acid conservation, physicochemical variation, residue mobility, and thermodynamic stability) performed at Invitae indicates that this missense variant is not expected to disrupt PNPT1 protein function.